The following is an entry in ClinVar:

ClinVar aggregate classification (germline): Uncertain significance (1 of 4 stars; one submission).

gnomAD v4.1: 7 of 1,613,988 alleles (0.00043%); highest among the groups gnomAD compares: Admixed American, 0.0033%; no homozygotes.

Submission:

Ambry Genetics
Classification: Uncertain significance. Last evaluated: 2024-09-30. Review status: criteria provided, single submitter. Criteria: Ambry Variant Classification Scheme 2023. Collection method: clinical testing. Allele origin: germline.
Comment: The p.V1091I variant (also known as c.3271G>A), located in coding exon 27 of the A2ML1 gene, results from a G to A substitution at nucleotide position 3271. The valine at codon 1091 is replaced by isoleucine, an amino acid with highly similar properties. This amino acid position is conserved. In addition, this alteration is predicted to be tolerated by in silico analysis. Based on the available evidence, the clinical significance of this variant remains unclear.

NM_144670.6(A2ML1):c.3271G>A (p.Val1091Ile)

Gene: A2ML1 (alpha-2-macroglobulin like 1; plus strand). Cytogenetic location: 12p13.31.
Variant type: single nucleotide variant.
Coding change: c.3271G>A on transcript NM_144670.6 (MANE Select); coding-DNA position 3271, G replaced by A.
Protein change: p.Val1091Ile; replaces valine 1091 with isoleucine.
Molecular consequence: missense variant.
Genome position (GRCh38, 1-based): chr12:8,860,887, G>A. VCF-style: chr12-8860887-G-A. GRCh37 (hg19) VCF-style: chr12-9013483-G-A.
Other names: c.1798G>A, p.Val600Ile (NM_001282424.3); short protein forms V1091I, V600I.
Identifiers: ClinVar variation 3502869 (VCV003502869.1).